The following is an entry in ClinVar:

ClinVar aggregate classification (germline): Likely benign. Review status: criteria provided, multiple submitters, no conflicts (2 of 4 stars). 6 submissions from 6 submitters: Likely benign (4). 2 of the submissions do not count toward it. Last evaluated 2025-12-14.

Conditions:
Cardiovascular phenotype. Identifiers: MedGen CN230736.
Alstrom syndrome (ALMS). Identifiers: Orphanet 64, MedGen C0268425, MONDO:0008763, OMIM 203800.

Allele frequency attached by ClinVar (database versions not stated): gnomAD 0.00004 and 0.00008; TOPMed 0.00007; ExAC 0.00012; gnomAD exomes 0.00014; 1000 Genomes Project 30x 0.00031.
gnomAD v4.1: 155 of 1,612,088 alleles (0.0096%); highest among the groups gnomAD compares: East Asian, 0.33%; no homozygotes.

Submissions (6):

Labcorp Genetics (formerly Invitae), Labcorp
Classification: Likely benign for Alstrom syndrome. Last evaluated: 2025-12-14. Review status: criteria provided, single submitter. Criteria: Invitae Variant Classification Sherloc (09022015). Collection method: clinical testing. Allele origin: germline.

Blueprint Genetics
Classification: Likely benign. Last evaluated: 2024-05-30. Review status: criteria provided, single submitter. Criteria: ACMG Guidelines, 2015. Collection method: clinical testing. Allele origin: germline.

Ambry Genetics
Classification: Likely benign for Cardiovascular phenotype. Last evaluated: 2023-05-27. Review status: criteria provided, single submitter. Criteria: Ambry Variant Classification Scheme 2023. Collection method: clinical testing. Allele origin: germline.

Women's Health and Genetics/Laboratory Corporation of America, LabCorp
Classification: Likely benign. Last evaluated: 2023-05-15. Review status: criteria provided, single submitter. Criteria: LabCorp Variant Classification Summary - May 2015. Collection method: clinical testing. Allele origin: germline.
Comment: Variant summary: ALMS1 c.451-5T>G (also known as c.454-5T>G) alters a conserved nucleotide located close to a canonical splice site and therefore could affect mRNA splicing, leading to a significantly altered protein sequence. Several computational tools predict a significant impact on normal splicing: Two predict the variant abolishes a canonical 3' acceptor site and two predict the variant weakens the same canonical 3' acceptor site. However, these predictions have yet to be confirmed by functional studies. The variant allele was found at a frequency of 0.00014 in 248930 control chromosomes (gnomAD), predominantly at a frequency of 0.0019 within the East Asian subpopulation in the gnomAD database. The observed variant frequency within East Asian control individuals in the gnomAD database is approximately 1.3 fold of the estimated maximal expected allele frequency for a pathogenic variant in ALMS1 causing Alstrom Syndrome (0.0014), suggesting that the variant may be a benign polymorphism found primarily in populations of East Asian origin. c.451-5T>G has been reported in the literature in individuals affected with Alstrom Syndrome, retinitis pigmentosa and in an individual affected with combined 17 alpha hydroxylase/17,20-lyase deficiency without strong evidence of causality (Marshall_2015, Xu_2016, Zhang_2018). These reports do not provide unequivocal conclusions about association of the variant with Alstrom Syndrome. To our knowledge, no experimental evidence demonstrating an impact on protein function has been reported. The following publications have been ascertained in the context of this evaluation (PMID: 25846608, 26010121, 29345162). Four ClinVar submitters have assessed the variant since 2014: two have classified the variant as uncertain significance and two as likely benign. Based on the evidence outlined above, the variant was classified as likely benign.

Natera, Inc.
Classification: Likely benign for Alstrom syndrome. Last evaluated: 2020-01-09. Review status: no assertion criteria provided. Collection method: clinical testing. Allele origin: germline. Not counted in ClinVar's aggregate classification.

Counsyl
Classification: Uncertain significance for Alstrom syndrome. Last evaluated: 2018-02-14. Review status: no assertion criteria provided. Collection method: clinical testing. Allele origin: unknown. Not counted in ClinVar's aggregate classification.

Literature cited by the submitters: PubMed 25846608 (cited by 3 submitters); PubMed 26010121 (cited by 3 submitters); PubMed 29345162 (cited by Women's Health and Genetics/Laboratory Corporation of America, LabCorp); PubMed 25999675 (cited by Counsyl).

NM_001378454.1(ALMS1):c.451-5T>G

Gene: ALMS1 (ALMS1 centrosome and basal body associated protein; plus strand). Cytogenetic location: 2p13.1.
Variant type: single nucleotide variant.
Coding change: c.451-5T>G on transcript NM_001378454.1 (MANE Select); 5 bases into the intron before coding-DNA position 451, T replaced by G.
Molecular consequence: intron variant.
Genome position (GRCh38, 1-based): chr2:73,419,118, T>G. VCF-style: chr2-73419118-T-G. GRCh37 (hg19) VCF-style: chr2-73646246-T-G.
Other names: c.454-5T>G (NM_015120.4); c.451-5T>G (NM_015120.4).
Identifiers: ClinVar variation 529408 (VCV000529408.20), dbSNP rs774098604, ClinGen allele CA1712861.